The following is an entry in ClinVar:

ClinVar aggregate classification (germline): Uncertain significance (1 of 4 stars; one submission).

Submission:

Labcorp Genetics (formerly Invitae), Labcorp
Classification: Uncertain significance. Last evaluated: 2022-09-01. Review status: criteria provided, single submitter. Criteria: Invitae Variant Classification Sherloc (09022015). Collection method: clinical testing. Allele origin: germline.
Comment: In summary, the available evidence is currently insufficient to determine the role of this variant in disease. Therefore, it has been classified as a Variant of Uncertain Significance. Algorithms developed to predict the effect of missense changes on protein structure and function (SIFT, PolyPhen-2, Align-GVGD) all suggest that this variant is likely to be disruptive. ClinVar contains an entry for this variant (Variation ID: 1394507). This variant has not been reported in the literature in individuals affected with TUBA1A-related conditions. This variant is not present in population databases (gnomAD no frequency). This sequence change replaces tyrosine, which is neutral and polar, with cysteine, which is neutral and slightly polar, at codon 24 of the TUBA1A protein (p.Tyr24Cys).

NM_006009.4(TUBA1A):c.71A>G (p.Tyr24Cys)

Gene: TUBA1A (tubulin alpha 1a; minus strand). Cytogenetic location: 12q13.12.
Variant type: single nucleotide variant.
Coding change: c.71A>G on transcript NM_006009.4 (MANE Select); coding-DNA position 71, A replaced by G.
Protein change: p.Tyr24Cys; replaces tyrosine 24 with cysteine.
Molecular consequence: missense variant. On other transcripts: 5 prime UTR variant (1).
Genome position (GRCh38, 1-based): chr12:49,186,766, T>C on the plus strand (A>G on the coding strand, the complement: TUBA1A is on the minus strand). VCF-style: chr12-49186766-T-C. GRCh37 (hg19) VCF-style: chr12-49580549-T-C.
Other names: c.71A>G, p.Tyr24Cys (NM_001270399.2); c.-35A>G (NM_001270400.2); short protein forms Y24C.
Identifiers: ClinVar variation 1394507 (VCV001394507.6), dbSNP rs2121248469, ClinGen allele CA384645803.